The following is an entry in ClinVar:

ClinVar aggregate classification (germline): Uncertain significance. Review status: criteria provided, multiple submitters, no conflicts (2 of 4 stars). 2 submissions from 2 submitters: Uncertain significance (2). Last evaluated 2026-08-23.

Conditions:
Hereditary cancer-predisposing syndrome. Also called: Tumor predisposition; Hereditary neoplastic syndrome; Hereditary Cancer Syndrome; Neoplastic Syndromes, Hereditary. Identifiers: Orphanet 140162, MedGen C0027672, MeSH D009386, MONDO:0015356.
Cardiovascular phenotype. Identifiers: MedGen CN230736.

gnomAD v4.1: 1 of 1,614,060 alleles (0.000062%); highest among the groups gnomAD compares: Non-Finnish European, 0.000085%; no homozygotes.

Submissions (2):

Ambry Genetics
Classification: Uncertain significance for Cardiovascular phenotype; Hereditary cancer-predisposing syndrome. Last evaluated: 2026-08-23. Review status: criteria provided, single submitter. Criteria: Ambry Variant Classification Scheme 2023. Collection method: clinical testing. Allele origin: germline.
Comment: The p.V132A variant (also known as c.395T>C), located in coding exon 4 of the LZTR1 gene, results from a T to C substitution at nucleotide position 395. The valine at codon 132 is replaced by alanine, an amino acid with similar properties. This amino acid position is conserved. In addition, this alteration is predicted to be deleterious by in silico analysis. Based on the available evidence, the clinical significance of this variant remains unclear.

Labcorp Genetics (formerly Invitae), Labcorp
Classification: Uncertain significance. Last evaluated: 2024-02-26. Review status: criteria provided, single submitter. Criteria: Invitae Variant Classification Sherloc (09022015). Collection method: clinical testing. Allele origin: germline.
Comment: This sequence change replaces valine, which is neutral and non-polar, with alanine, which is neutral and non-polar, at codon 132 of the LZTR1 protein (p.Val132Ala). This variant is present in population databases (rs756615982, gnomAD 0.0009%). This variant has not been reported in the literature in individuals affected with LZTR1-related conditions. Advanced modeling of protein sequence and biophysical properties (such as structural, functional, and spatial information, amino acid conservation, physicochemical variation, residue mobility, and thermodynamic stability) performed at Invitae indicates that this missense variant is not expected to disrupt LZTR1 protein function with a negative predictive value of 80%. In summary, the available evidence is currently insufficient to determine the role of this variant in disease. Therefore, it has been classified as a Variant of Uncertain Significance.

NM_006767.4(LZTR1):c.395T>C (p.Val132Ala)

Gene: LZTR1 (leucine zipper like post translational regulator 1; plus strand). Cytogenetic location: 22q11.21.
Variant type: single nucleotide variant.
Coding change: c.395T>C on transcript NM_006767.4 (MANE Select); coding-DNA position 395, T replaced by C.
Protein change: p.Val132Ala; replaces valine 132 with alanine.
Molecular consequence: missense variant.
Genome position (GRCh38, 1-based): chr22:20,987,578, T>C. VCF-style: chr22-20987578-T-C. GRCh37 (hg19) VCF-style: chr22-21341867-T-C.
Other names: c.395T>C (NM_006767.3); short protein forms V132A.
Identifiers: ClinVar variation 3716136 (VCV003716136.3).